The following is an entry in ClinVar:

ClinVar aggregate classification (germline): Uncertain significance (1 of 4 stars; one submission).

Submission:

Labcorp Genetics (formerly Invitae), Labcorp
Classification: Uncertain significance. Last evaluated: 2021-06-16. Review status: criteria provided, single submitter. Criteria: Invitae Variant Classification Sherloc (09022015). Collection method: clinical testing. Allele origin: germline.
Comment: This variant is not present in population databases (ExAC no frequency). This variant has not been reported in the literature in individuals with CDH23-related conditions. Algorithms developed to predict the effect of missense changes on protein structure and function are either unavailable or do not agree on the potential impact of this missense change (SIFT: "Deleterious"; PolyPhen-2: "Not Available"; Align-GVGD: "Class C0"). In summary, the available evidence is currently insufficient to determine the role of this variant in disease. Therefore, it has been classified as a Variant of Uncertain Significance. This sequence change replaces aspartic acid with asparagine at codon 3151 of the CDH23 protein (p.Asp3151Asn). The aspartic acid residue is highly conserved and there is a small physicochemical difference between aspartic acid and asparagine.

NM_022124.6(CDH23):c.9451G>A (p.Asp3151Asn)

Gene: CDH23 (cadherin related 23; plus strand). Cytogenetic location: 10q22.1.
Variant type: single nucleotide variant.
Coding change: c.9451G>A on transcript NM_022124.6 (MANE Select); coding-DNA position 9451, G replaced by A.
Protein change: p.Asp3151Asn; replaces aspartic acid 3151 with asparagine.
Molecular consequence: missense variant.
Genome position (GRCh38, 1-based): chr10:71,812,550, G>A. VCF-style: chr10-71812550-G-A. GRCh37 (hg19) VCF-style: chr10-73572307-G-A.
Other names: c.2731G>A, p.Asp911Asn (NM_001171933.1, NM_001171934.1); c.142G>A, p.Asp48Asn (NM_001171935.1, NM_001171936.1); short protein forms D3151N, D48N, D911N.
Identifiers: ClinVar variation 1361446 (VCV001361446.8), dbSNP rs2133007087, ClinGen allele CA377136664.